The following is an entry in ClinVar:

ClinVar aggregate classification (germline): Likely benign (1 of 4 stars; one submission).

Submission:

CeGaT Center for Human Genetics Tuebingen
Classification: Likely benign. Last evaluated: 2023-03-01. Review status: criteria provided, single submitter. Criteria: CeGaT Center For Human Genetics Tuebingen Variant Classification Criteria Version 2. Collection method: clinical testing. Allele origin: germline. Affected: yes. Observed: 1 variant allele.
Comment: NDUFS3: PM2:Supporting, BP4, BP7

NM_004551.3(NDUFS3):c.39G>T (p.Gly13=)

Gene: NDUFS3 (NADH:ubiquinone oxidoreductase core subunit S3; plus strand). Cytogenetic location: 11p11.2.
Variant type: single nucleotide variant.
Coding change: c.39G>T on transcript NM_004551.3 (MANE Select); coding-DNA position 39, G replaced by T.
Protein change: p.Gly13=; no amino-acid change (glycine 13 retained).
Molecular consequence: synonymous variant.
Genome position (GRCh38, 1-based): chr11:47,579,130, G>T. VCF-style: chr11-47579130-G-T. GRCh37 (hg19) VCF-style: chr11-47600682-G-T.
Identifiers: ClinVar variation 2498513 (VCV002498513.28), dbSNP rs754491444, ClinGen allele CA221735380.
Genomic context (GRCh38, chr11:47,579,130, plus strand): 5'-GCCTAGTCTGCATCTGAGTAACATGGCGGCGGCGGCGGTAGCCAGGCTGTGGTGGCGCGG[G>T]ATCTTGGGGGCCTCGGCGCTGACCAGGGGTGAGCACGGGCAGCCAGCTGAGACCGGGGTC-3'
Protein context (NP_004542.1, residues 3-23): AAAVARLWWR[Gly13=]ILGASALTRG